The following is an entry in ClinVar:

NM_001080449.3(DNA2):c.2430C>G (p.Phe810Leu)

Gene: DNA2 (DNA replication helicase/nuclease 2; minus strand). Cytogenetic location: 10q21.3.
Variant type: single nucleotide variant.
Coding change: c.2430C>G on transcript NM_001080449.3 (MANE Select); coding-DNA position 2430, C replaced by G.
Protein change: p.Phe810Leu; replaces phenylalanine 810 with leucine.
Molecular consequence: missense variant. On other transcripts: non-coding transcript variant (1).
Genome position (GRCh38, 1-based): chr10:68,422,577, G>C on the plus strand (C>G on the coding strand, the complement: DNA2 is on the minus strand). VCF-style: chr10-68422577-G-C. GRCh37 (hg19) VCF-style: chr10-70182334-G-C.
Other names: short protein forms F810L.
Identifiers: ClinVar variation 257343 (VCV000257343.15), dbSNP rs73274785, ClinGen allele CA5524811.

ClinVar aggregate classification (germline): Benign/Likely benign. Review status: criteria provided, multiple submitters, no conflicts (2 of 4 stars). 6 submissions from 6 submitters: Benign (4); Likely benign (1). 1 of the submissions does not count toward it. Last evaluated 2026-02-01.

Conditions:
Seckel syndrome 8 (SCKL8). Identifiers: Orphanet 808, MedGen C3891452, MONDO:0014350, OMIM 615807.
Mitochondrial DNA deletion syndrome with progressive myopathy. Also called: PROGRESSIVE EXTERNAL OPHTHALMOPLEGIA, AUTOSOMAL DOMINANT 6; Progressive external ophthalmoplegia with mitochondrial DNA deletions, autosomal dominant 6. Identifiers: Orphanet 352470, MedGen C3554599, MONDO:0014062, OMIM 615156.

Allele frequency attached by ClinVar (database versions not stated): 1000 Genomes Project 0.00879; ESP Exome Variant Server 0.00851; 1000 Genomes Project 30x 0.00906; TOPMed 0.00904.
gnomAD v4.1: 2,546 of 1,614,006 alleles (0.16%); highest among the groups gnomAD compares: African/African-American, 3.1%; 36 homozygotes.

Submissions (6):

Labcorp Genetics (formerly Invitae), Labcorp
Classification: Benign. Last evaluated: 2026-02-01. Review status: criteria provided, single submitter. Criteria: Invitae Variant Classification Sherloc (09022015). Collection method: clinical testing. Allele origin: germline.

Fulgent Genetics
Classification: Likely benign for Mitochondrial DNA deletion syndrome with progressive myopathy; Seckel syndrome 8. Last evaluated: 2021-10-08. Review status: criteria provided, single submitter. Criteria: ACMG Guidelines, 2015. Collection method: clinical testing. Allele origin: unknown.

GeneDx
Classification: Benign. Last evaluated: 2016-08-02. Review status: criteria provided, single submitter. Criteria: GeneDx Variant Classification (06012015). Collection method: clinical testing. Allele origin: germline. Affected: yes.
Comment: This variant is considered likely benign or benign based on one or more of the following criteria: it is a conservative change, it occurs at a poorly conserved position in the protein, it is predicted to be benign by multiple in silico algorithms, and/or has population frequency not consistent with disease.

Breakthrough Genomics
Classification: Benign. Review status: criteria provided, single submitter. Criteria: ACMG Guidelines, 2015. Collection method: not provided. Allele origin: germline. Inheritance: Autosomal recessive inheritance. Affected: yes.

PreventionGenetics, part of Exact Sciences
Classification: Benign. Review status: criteria provided, single submitter. Criteria: ACMG Guidelines, 2015. Collection method: clinical testing. Allele origin: germline.

Mayo Clinic Laboratories, Mayo Clinic
Classification: Likely benign. Last evaluated: 2016-02-29. Review status: no assertion criteria provided. Collection method: clinical testing. Allele origin: unknown. Not counted in ClinVar's aggregate classification.